The following is an entry in ClinVar:

ClinVar aggregate classification (germline): Uncertain significance. Review status: criteria provided, multiple submitters, no conflicts (2 of 4 stars). 2 submissions from 2 submitters: Uncertain significance (2). Last evaluated 2024-04-08.

Conditions:
Atypical hemolytic-uremic syndrome with I factor anomaly. Also called: HEMOLYTIC UREMIC SYNDROME, ATYPICAL, SUSCEPTIBILITY TO, 3; AHUS, SUSCEPTIBILITY TO, 3. Identifiers: Orphanet 2134, MedGen C2752039, MONDO:0013041, OMIM 612923.
Factor I deficiency (CFID). Also called: Complement factor I deficiency. Identifiers: Orphanet 200418, MedGen C3463916, MONDO:0012594, OMIM 610984.
Age related macular degeneration 13. Identifiers: MedGen C3809523, MONDO:0014189, OMIM 615439.

Allele frequency attached by ClinVar (database versions not stated): gnomAD exomes below 0.00001; ExAC 0.00001; gnomAD 0.00001; TOPMed 0.00001.

Submissions (2):

Fulgent Genetics
Classification: Uncertain significance for Factor I deficiency; Atypical hemolytic-uremic syndrome with I factor anomaly; Age related macular degeneration 13. Last evaluated: 2024-04-08. Review status: criteria provided, single submitter. Criteria: ACMG Guidelines, 2015. Collection method: clinical testing. Allele origin: germline.

Labcorp Genetics (formerly Invitae), Labcorp
Classification: Uncertain significance. Last evaluated: 2022-09-30. Review status: criteria provided, single submitter. Criteria: Invitae Variant Classification Sherloc (09022015). Collection method: clinical testing. Allele origin: germline.
Comment: In summary, the available evidence is currently insufficient to determine the role of this variant in disease. Therefore, it has been classified as a Variant of Uncertain Significance. Advanced modeling of protein sequence and biophysical properties (such as structural, functional, and spatial information, amino acid conservation, physicochemical variation, residue mobility, and thermodynamic stability) performed at Invitae indicates that this missense variant is not expected to disrupt CFI protein function. This variant has not been reported in the literature in individuals affected with CFI-related conditions. This variant is present in population databases (rs765472201, gnomAD 0.008%). This sequence change replaces lysine, which is basic and polar, with asparagine, which is neutral and polar, at codon 497 of the CFI protein (p.Lys497Asn).

NM_000204.5(CFI):c.1491G>C (p.Lys497Asn)

Gene: CFI (complement factor I; minus strand). Cytogenetic location: 4q25.
Variant type: single nucleotide variant.
Coding change: c.1491G>C on transcript NM_000204.5 (MANE Select); coding-DNA position 1491, G replaced by C.
Protein change: p.Lys497Asn; replaces lysine 497 with asparagine.
Molecular consequence: missense variant. On other transcripts: non-coding transcript variant (3).
Genome position (GRCh38, 1-based): chr4:109,742,534, C>G on the plus strand (G>C on the coding strand, the complement: CFI is on the minus strand). VCF-style: chr4-109742534-C-G. GRCh37 (hg19) VCF-style: chr4-110663690-C-G.
Other names: c.1515G>C, p.Lys505Asn (NM_001318057.2, NM_001375278.1); c.1470G>C, p.Lys490Asn (NM_001331035.2, NM_001375280.1, NM_001375282.1); c.1491G>C, p.Lys497Asn (NM_001375279.1, NM_001375281.1); c.1434G>C, p.Lys478Asn (NM_001375283.1); c.882G>C, p.Lys294Asn (NM_001375284.1); short protein forms K490N, K505N, K497N, K478N, K294N.
Identifiers: ClinVar variation 1918980 (VCV001918980.6), dbSNP rs765472201, ClinGen allele CA3041884.
Genomic context (GRCh38, chr4:109,742,534, plus strand): 5'-AACCACTTGGCACTTACCTGCACATTCCATTTCTTTTTCATAGAAACGATTTCCGTAAAA[C>G]TTAGAGCAGTTGCTTATTAGTTTAACTTCACCCCACTGAAGTGAAAAGACTCTTTCGTTA-3'
Protein context (NP_000195.3, residues 487-507): GEVKLISNCS[Lys497Asn]FYGNRFYEKE